The following is an entry in ClinVar:

NM_001042432.2(CLN3):c.317dup (p.Thr108fs)

Gene: CLN3 (CLN3 lysosomal/endosomal transmembrane protein, battenin; minus strand). Cytogenetic location: 16p12.1.
Variant type: Duplication.
Coding change: c.317dup on transcript NM_001042432.2 (MANE Select); coding-DNA position 317, one base duplicated (T; older notation c.317dupT).
Protein change: p.Thr108fs; shifts the reading frame from threonine 108.
Molecular consequence: frameshift variant. On other transcripts: intron variant (1).
Genome position (GRCh38, 1-based): chr16:28,487,719, A duplicated on the plus strand (T on the coding strand, the reverse complement: CLN3 is on the minus strand). VCF-style (leftmost placement, unchanged base first): chr16-28487718-G-GA. GRCh37 (hg19) VCF-style: chr16-28499039-G-GA.
Other names: c.317dup, p.Thr108fs (NM_000086.2); c.245dup, p.Thr84fs (NM_001286104.2); c.83dup, p.Thr30fs (NM_001286109.2); c.155dup, p.Thr54fs (NM_001286110.2); c.75-178dup (NM_001286105.2); short protein forms T30fs, T54fs, T84fs, T108fs.
Identifiers: ClinVar variation 2002289 (VCV002002289.4), dbSNP rs2506494772, ClinGen allele CA2580091417.

ClinVar aggregate classification (germline): Pathogenic (1 of 4 stars; one submission).

Conditions:
Neuronal ceroid lipofuscinosis. Also called: Neuronal Ceroid Lipofuscinoses. Identifiers: Orphanet 216, Orphanet 79263, MedGen C0027877, MONDO:0016295. Disease mechanism: loss of function.

Submission:

Labcorp Genetics (formerly Invitae), Labcorp
Classification: Pathogenic for Neuronal ceroid lipofuscinosis. Last evaluated: 2022-06-03. Review status: criteria provided, single submitter. Criteria: Invitae Variant Classification Sherloc (09022015). Collection method: clinical testing. Allele origin: germline.
Comment: For these reasons, this variant has been classified as Pathogenic. This variant has not been reported in the literature in individuals affected with CLN3-related conditions. This variant is not present in population databases (gnomAD no frequency). This sequence change creates a premature translational stop signal (p.Thr108Hisfs*52) in the CLN3 gene. It is expected to result in an absent or disrupted protein product. Loss-of-function variants in CLN3 are known to be pathogenic (PMID: 9311735, 28542676).

Literature cited by the submitters: PubMed 9311735; PubMed 28542676.